The following is an entry in ClinVar:

ClinVar aggregate classification (germline): Uncertain significance. Review status: criteria provided, multiple submitters, no conflicts (2 of 4 stars). 3 submissions from 3 submitters: Uncertain significance (3). Last evaluated 2025-12-10.

Conditions:
Mosaic variegated aneuploidy syndrome 1 (MVA1). Also called: Warburton-Anyane-Yeboa syndrome. Identifiers: Orphanet 1052, MedGen C1850343, MONDO:0009759, OMIM 257300.
Inborn genetic diseases. Identifiers: MedGen C0950123, MeSH D030342.

Submissions (3):

Ambry Genetics
Classification: Uncertain significance for Inborn genetic diseases. Last evaluated: 2025-12-10. Review status: criteria provided, single submitter. Criteria: Ambry Variant Classification Scheme 2023. Collection method: clinical testing. Allele origin: germline.
Comment: The p.S915R variant (also known as c.2745T>A), located in coding exon 21 of the BUB1B gene, results from a T to A substitution at nucleotide position 2745. The serine at codon 915 is replaced by arginine, an amino acid with dissimilar properties. This amino acid position is conserved. In addition, this alteration is predicted to be deleterious by in silico analysis. Since supporting evidence is limited at this time, the clinical significance of this alteration remains unclear.

Labcorp Genetics (formerly Invitae), Labcorp
Classification: Uncertain significance for Mosaic variegated aneuploidy syndrome 1. Last evaluated: 2025-01-07. Review status: criteria provided, single submitter. Criteria: Invitae Variant Classification Sherloc (09022015). Collection method: clinical testing. Allele origin: germline.
Comment: This sequence change replaces serine, which is neutral and polar, with arginine, which is basic and polar, at codon 915 of the BUB1B protein (p.Ser915Arg). This variant is not present in population databases (gnomAD no frequency). This variant has not been reported in the literature in individuals affected with BUB1B-related conditions. ClinVar contains an entry for this variant (Variation ID: 1026235). An algorithm developed to predict the effect of missense changes on protein structure and function (PolyPhen-2) suggests that this variant is likely to be disruptive. In summary, the available evidence is currently insufficient to determine the role of this variant in disease. Therefore, it has been classified as a Variant of Uncertain Significance.

St. Jude Molecular Pathology, St. Jude Children's Research Hospital
Classification: Uncertain significance for Mosaic variegated aneuploidy syndrome 1. Last evaluated: 2023-08-30. Review status: criteria provided, single submitter. Criteria: St. Jude Assertion Criteria 2020. Collection method: clinical testing. Allele origin: germline.
Comment: The BUB1B c.2745T>A (p.Ser915Arg) missense change is absent in gnomAD v2.1.1. The in silico tool REVEL predicts a deleterious effect on protein function, but this prediction has not been confirmed by functional studies. This variant has not been reported in individuals with mosaic variegated aneuploidy syndrome. In summary, the evidence currently available is insufficient to determine the clinical significance of this variant. It has therefore been classified as of uncertain significance.

NM_001211.6(BUB1B):c.2745T>A (p.Ser915Arg)

Genes: BUB1B (BUB1 mitotic checkpoint serine/threonine kinase B; plus strand), BUB1B-PAK6 (BUB1B-PAK6 readthrough; plus strand). Cytogenetic location: 15q15.1.
Variant type: single nucleotide variant.
Coding change: c.2745T>A on transcript NM_001211.6 (MANE Select); coding-DNA position 2745, T replaced by A.
Protein change: p.Ser915Arg; replaces serine 915 with arginine.
Molecular consequence: missense variant. On other transcripts: 5 prime UTR variant (2).
Genome position (GRCh38, 1-based): chr15:40,217,562, T>A. VCF-style: chr15-40217562-T-A. GRCh37 (hg19) VCF-style: chr15-40509763-T-A.
Other names: c.-306T>A (NM_001128628.3); c.-223T>A (NM_001128629.3); short protein forms S915R.
Identifiers: ClinVar variation 1026235 (VCV001026235.14), dbSNP rs2037812878, ClinGen allele CA391687782.